The following is an entry in ClinVar:

NM_025244.4(TSGA10):c.594A>G (p.Ala198=)

Gene: TSGA10 (testis specific 10; minus strand). Cytogenetic location: 2q11.2.
Variant type: single nucleotide variant.
Coding change: c.594A>G on transcript NM_025244.4 (MANE Select); coding-DNA position 594, A replaced by G.
Protein change: p.Ala198=; no amino-acid change (alanine 198 retained).
Molecular consequence: synonymous variant. On other transcripts: non-coding transcript variant (1).
Genome position (GRCh38, 1-based): chr2:99,103,984, T>C on the plus strand (A>G on the coding strand, the complement: TSGA10 is on the minus strand). VCF-style: chr2-99103984-T-C. GRCh37 (hg19) VCF-style: chr2-99720447-T-C.
Other names: c.594A>G, p.Ala198= (NM_001349012.1, NM_001349013.2, NM_001349014.1 and 1 more transcripts).
Identifiers: ClinVar variation 3040918 (VCV003040918.2), dbSNP rs186568927, ClinGen allele CA1796949.

ClinVar aggregate classification (germline): Likely benign (0 of 4 stars; one submission).

Conditions:
TSGA10-related disorder. Also called: TSGA10-related condition.

Allele frequency attached by ClinVar (database versions not stated): gnomAD exomes 0.00032; gnomAD 0.00053; ExAC 0.00108; 1000 Genomes Project 30x 0.00187; 1000 Genomes Project 0.00220.
gnomAD v4.1: 540 of 1,614,110 alleles (0.033%); highest among the groups gnomAD compares: East Asian, 1.1%; 4 homozygotes.

Submission:

PreventionGenetics, part of Exact Sciences
Classification: Likely benign for TSGA10-related condition. Last evaluated: 2019-03-20. Review status: no assertion criteria provided. Collection method: clinical testing. Allele origin: germline.
Comment: This variant is classified as likely benign based on ACMG/AMP sequence variant interpretation guidelines (Richards et al. 2015 PMID: 25741868, with internal and published modifications).